The following is an entry in ClinVar:

NM_002968.3(SALL1):c.494C>T (p.Ser165Phe)

Gene: SALL1 (spalt like transcription factor 1; minus strand). Cytogenetic location: 16q12.1.
Variant type: single nucleotide variant.
Coding change: c.494C>T on transcript NM_002968.3 (MANE Select); coding-DNA position 494, C replaced by T.
Protein change: p.Ser165Phe; replaces serine 165 with phenylalanine.
Molecular consequence: missense variant.
Genome position (GRCh38, 1-based): chr16:51,141,728, G>A on the plus strand (C>T on the coding strand, the complement: SALL1 is on the minus strand). VCF-style: chr16-51141728-G-A. GRCh37 (hg19) VCF-style: chr16-51175639-G-A.
Other names: c.494C>T (NM_002968.2); c.203C>T, p.Ser68Phe (NM_001127892.2); short protein forms S165F, S68F.
Identifiers: ClinVar variation 1683599 (VCV001683599.6), dbSNP rs773094147, ClinGen allele CA8053447.

ClinVar aggregate classification (germline): Uncertain significance. Review status: criteria provided, multiple submitters, no conflicts (2 of 4 stars). 3 submissions from 3 submitters: Uncertain significance (3). Last evaluated 2024-10-09.

Conditions:
Townes-Brocks syndrome 1 (TBS1). Also called: SALL1-Related Townes-Brocks Syndrome; DEAFNESS, SENSORINEURAL, WITH IMPERFORATE ANUS AND THUMB ANOMALIES; REAR SYNDROME; RENAL-EAR-ANAL-RADIAL SYNDROME. Identifiers: Orphanet 857, MedGen C4551481, MONDO:0054581, OMIM 107480.
Inborn genetic diseases. Identifiers: MedGen C0950123, MeSH D030342.

Allele frequency attached by ClinVar (database versions not stated): ExAC 0.00001; TOPMed 0.00001; gnomAD exomes below 0.00001.
gnomAD v4.1: 2 of 1,612,860 alleles (0.00012%); highest among the groups gnomAD compares: Admixed American, 0.0017%; no homozygotes.

Submissions (3):

Dasa
Classification: Uncertain significance. Last evaluated: 2024-10-09. Review status: criteria provided, single submitter. Criteria: DASA Assertion Criteria. Collection method: clinical testing. Allele origin: germline.
Comment: NM_002968.3(SALL1):c.494C>T (p.Ser165Phe) is a missense variant that results in the substitution of serine with phenylalanine. This variant is rare in population databases. Computational prediction algorithms are consistent with a benign effect. The currently available literature and clinical evidence are not sufficient to establish a definitive association between this variant and the reported condition. Therefore, this variant is classified as a variant of uncertain significance.

Ambry Genetics
Classification: Uncertain significance for Inborn genetic diseases. Last evaluated: 2023-05-31. Review status: criteria provided, single submitter. Criteria: Ambry Variant Classification Scheme 2023. Collection method: clinical testing. Allele origin: germline.

Laboratorio de Genetica e Diagnostico Molecular, Hospital Israelita Albert Einstein
Classification: Uncertain significance for Townes-Brocks syndrome 1. Last evaluated: 2021-06-08. Review status: criteria provided, single submitter. Criteria: ACMG Guidelines, 2015. Collection method: clinical testing. Allele origin: germline. Affected: yes.
Comment: ACMG classification criteria: PM2 moderate, BP4 supporting